The following is an entry in ClinVar:

ClinVar aggregate classification (germline): Uncertain significance (1 of 4 stars; one submission).

Submission:

Ambry Genetics
Classification: Uncertain significance. Last evaluated: 2026-09-04. Review status: criteria provided, single submitter. Criteria: Ambry Variant Classification Scheme 2023. Collection method: clinical testing. Allele origin: germline.
Comment: The p.Q586E variant (also known as c.1756C>G), located in coding exon 8 of the RNF43 gene, results from a C to G substitution at nucleotide position 1756. The glutamine at codon 586 is replaced by glutamic acid, an amino acid with highly similar properties. This amino acid position is conserved. In addition, this alteration is predicted to be tolerated by in silico analysis. Based on the available evidence, the clinical significance of this variant remains unclear.

NM_017763.6(RNF43):c.1756C>G (p.Gln586Glu)

Gene: RNF43 (ring finger protein 43; minus strand). Cytogenetic location: 17q22.
Variant type: single nucleotide variant.
Coding change: c.1756C>G on transcript NM_017763.6 (MANE Select); coding-DNA position 1756, C replaced by G.
Protein change: p.Gln586Glu; replaces glutamine 586 with glutamic acid.
Molecular consequence: missense variant.
Genome position (GRCh38, 1-based): chr17:58,358,020, G>C on the plus strand (C>G on the coding strand, the complement: RNF43 is on the minus strand). VCF-style: chr17-58358020-G-C. GRCh37 (hg19) VCF-style: chr17-56435381-G-C.
Other names: c.1756C>G, p.Gln586Glu (NM_001305544.3, NM_001438820.1, NM_001438821.1 and 1 more transcripts); c.1375C>G, p.Gln459Glu (NM_001305545.2, NM_001437987.1); short protein forms Q459E, Q586E.
Identifiers: ClinVar variation 5028368 (VCV005028368.1).